The following is an entry in ClinVar:

NM_182961.4(SYNE1):c.898C>T (p.Pro300Ser)

Gene: SYNE1 (spectrin repeat containing nuclear envelope protein 1; minus strand). Cytogenetic location: 6q25.2.
Variant type: single nucleotide variant.
Coding change: c.898C>T on transcript NM_182961.4 (MANE Select); coding-DNA position 898, C replaced by T.
Protein change: p.Pro300Ser; replaces proline 300 with serine.
Molecular consequence: missense variant.
Genome position (GRCh38, 1-based): chr6:152,498,783, G>A on the plus strand (C>T on the coding strand, the complement: SYNE1 is on the minus strand). VCF-style: chr6-152498783-G-A. GRCh37 (hg19) VCF-style: chr6-152819918-G-A.
Other names: c.919C>T, p.Pro307Ser (NM_033071.5); short protein forms P300S, P307S.
Identifiers: ClinVar variation 1965720 (VCV001965720.5), dbSNP rs1269222098, ClinGen allele CA366147416.

ClinVar aggregate classification (germline): Uncertain significance (1 of 4 stars; one submission).

Conditions:
Emery-Dreifuss muscular dystrophy 4, autosomal dominant (EDMD4). Also called: EMERY-DREIFUSS MUSCULAR DYSTROPHY 4 WITH VARIABLE FEATURES. Identifiers: Orphanet 261, MedGen C2751807, MONDO:0013071, OMIM 612998.
Autosomal recessive ataxia, Beauce type. Also called: SYNE1 Deficiency; Spinocerebellar ataxia, autosomal recessive 8; ATAXIA, RECESSIVE, OF BEAUCE; SYNE1-Related Autosomal Recessive Cerebellar Ataxia. Identifiers: Orphanet 88644, MedGen C1853116, MONDO:0012549, OMIM 610743.

Allele frequency attached by ClinVar (database versions not stated): TOPMed below 0.00001; gnomAD 0.00001.
gnomAD v4.1: 1 of 1,538,896 alleles (0.000065%); highest among the groups gnomAD compares: East Asian, 0.0023%; no homozygotes.

Submission:

Labcorp Genetics (formerly Invitae), Labcorp
Classification: Uncertain significance for Emery-Dreifuss muscular dystrophy 4, autosomal dominant; Autosomal recessive ataxia, Beauce type. Last evaluated: 2022-08-06. Review status: criteria provided, single submitter. Criteria: Invitae Variant Classification Sherloc (09022015). Collection method: clinical testing. Allele origin: germline.
Comment: In summary, the available evidence is currently insufficient to determine the role of this variant in disease. Therefore, it has been classified as a Variant of Uncertain Significance. Algorithms developed to predict the effect of sequence changes on RNA splicing suggest that this variant may disrupt the consensus splice site. Algorithms developed to predict the effect of missense changes on protein structure and function (SIFT, PolyPhen-2, Align-GVGD) all suggest that this variant is likely to be tolerated. This variant has not been reported in the literature in individuals affected with SYNE1-related conditions. This variant is present in population databases (no rsID available, gnomAD 0.06%). This sequence change replaces proline, which is neutral and non-polar, with serine, which is neutral and polar, at codon 307 of the SYNE1 protein (p.Pro307Ser).